The following is an entry in ClinVar:

NM_001360016.2(G6PD):c.1165G>A (p.Glu389Lys)

Gene: G6PD (glucose-6-phosphate dehydrogenase; minus strand). Cytogenetic location: Xq28.
Variant type: single nucleotide variant.
Coding change: c.1165G>A on transcript NM_001360016.2 (MANE Select); coding-DNA position 1165, G replaced by A.
Protein change: p.Glu389Lys; replaces glutamic acid 389 with lysine.
Molecular consequence: missense variant.
Genome position (GRCh38, 1-based): chrX:154,532,689, C>T on the plus strand (G>A on the coding strand, the complement: G6PD is on the minus strand). VCF-style: chrX-154532689-C-T. GRCh37 (hg19) VCF-style: chrX-153760904-C-T.
Other names: c.1255G>A, p.Glu419Lys (NM_000402.4); c.1165G>A, p.Glu389Lys (NM_001042351.3); short protein forms E419K, E389K.
Identifiers: ClinVar variation 3693624 (VCV003693624.2).

ClinVar aggregate classification (germline): Uncertain significance (1 of 4 stars; one submission).

Conditions:
Anemia, nonspherocytic hemolytic, due to G6PD deficiency (CNSHA1). Also called: ANEMIA, CONGENITAL, NONSPHEROCYTIC HEMOLYTIC, 1; Hemolytic anemia due to G6PD deficiency; Class I glucose-6-phosphate dehydrogenase deficiency; Favism, susceptibility to. Identifiers: Orphanet 466026, MedGen C2720289, MONDO:0010480, OMIM 300908.

Submission:

Labcorp Genetics (formerly Invitae), Labcorp
Classification: Uncertain significance for Anemia, nonspherocytic hemolytic, due to G6PD deficiency. Last evaluated: 2024-12-30. Review status: criteria provided, single submitter. Criteria: Invitae Variant Classification Sherloc (09022015). Collection method: clinical testing. Allele origin: germline.
Comment: This sequence change replaces glutamic acid, which is acidic and polar, with lysine, which is basic and polar, at codon 389 of the G6PD protein (p.Glu389Lys). This variant is not present in population databases (gnomAD no frequency). This missense change has been observed in individual(s) with hereditary nonspherocytic hemolytic anemia (PMID: 7803800). Invitae Evidence Modeling of protein sequence and biophysical properties (such as structural, functional, and spatial information, amino acid conservation, physicochemical variation, residue mobility, and thermodynamic stability) indicates that this missense variant is expected to disrupt G6PD protein function with a positive predictive value of 95%. In summary, the available evidence is currently insufficient to determine the role of this variant in disease. Therefore, it has been classified as a Variant of Uncertain Significance.

Literature cited by the submitters: PubMed 7803800.